The following is an entry in ClinVar:

NR_003051.3(RMRP):n.-5delinsAACGCTCTGTGAAGCTGAGA

Gene: RMRP (RNA component of mitochondrial RNA processing endoribonuclease; minus strand). Cytogenetic location: 9p13.3.
Variant type: Indel.
Genome position: GRCh38 VCF-style: chr9-35658023-C-TCTCAGCTTCACAGAGCGTT. GRCh37 (hg19) VCF-style: chr9-35658020-C-TCTCAGCTTCACAGAGCGTT.
Identifiers: ClinVar variation 4817197 (VCV004817197.1).

ClinVar aggregate classification (germline): Likely pathogenic (1 of 4 stars; one submission).

Conditions:
Metaphyseal chondrodysplasia, McKusick type (CHH). Also called: Cartilage-hair hypoplasia; Cartilage-Hair Hypoplasia (CHH). Identifiers: Orphanet 175, MedGen C0220748, MONDO:0009595, OMIM 250250.

Submission:

Natera, Inc.
Classification: Likely pathogenic for Cartilage-hair hypoplasia. Last evaluated: 2024-10-18. Review status: criteria provided, single submitter. Criteria: Natera Variant Classification Schema (03/2026). Collection method: clinical testing. Allele origin: germline.
Comment: The n.-5delinsAACGCTCTGTGAAGCTGAGA variant in RMRP is a delins affecting the RMRP promoter region between the TATA box and the transcription initiation site. Other duplications and insertions just upstream of the transcription initiation site have been reported in individuals affected with cartilage-hair hypoplasia (PMID: 11207361, 17937437). This variant is rare in the general population with a frequency below the threshold expected for the associated phenotype(s). Given the available evidence, this variant is classified as Likely pathogenic.

Literature cited by the submitters: PubMed 11207361; PubMed 17937437.